The following is an entry in ClinVar:

ClinVar aggregate classification (germline): Uncertain significance (1 of 4 stars; one submission).

Conditions:
Bloom syndrome (BLM). Also called: Bloom-Torre-Machacek syndrome. Identifiers: Orphanet 125, MedGen C0005859, MONDO:0008876, OMIM 210900.

Submission:

Labcorp Genetics (formerly Invitae), Labcorp
Classification: Uncertain significance for Bloom syndrome. Last evaluated: 2025-12-19. Review status: criteria provided, single submitter. Criteria: Invitae Variant Classification Sherloc (09022015). Collection method: clinical testing. Allele origin: germline.
Comment: This variant, c.3951_3953del, results in the deletion of 1 amino acid(s) of the BLM protein (p.Glu1318del), but otherwise preserves the integrity of the reading frame. This variant is not present in population databases (gnomAD no frequency). This variant has not been reported in the literature in individuals affected with BLM-related conditions. Experimental studies and prediction algorithms are not available or were not evaluated, and the functional significance of this variant is currently unknown. In summary, the available evidence is currently insufficient to determine the role of this variant in disease. Therefore, it has been classified as a Variant of Uncertain Significance.

NM_000057.4(BLM):c.3951_3953del (p.Glu1318del)

Gene: BLM (BLM RecQ like helicase; plus strand). Cytogenetic location: 15q26.1.
Variant type: Deletion.
Coding change: c.3951_3953del on transcript NM_000057.4 (MANE Select); coding-DNA positions 3951 to 3953, 3 bases deleted (GGA; older notation c.3951_3953delGGA).
Protein change: p.Glu1318del; deletes glutamic acid 1318.
Molecular consequence: inframe deletion.
Genome position (GRCh38, 1-based): chr15:90,811,281-90,811,283, GGA deleted; deleting any 3 consecutive bases within chr15:90,811,279-90,811,283 gives the same sequence; the c. name uses the placement nearest the transcript's 3' end. VCF-style (leftmost placement, unchanged base first): chr15-90811278-CGAG-C. GRCh37 (hg19) VCF-style: chr15-91354508-CGAG-C.
Other names: c.3951_3953del, p.Glu1318del (NM_001287246.2); c.3558_3560del, p.Glu1187del (NM_001287247.2); c.2826_2828del, p.Glu943del (NM_001287248.2); short protein forms E943del, E1187del, E1318del.
Identifiers: ClinVar variation 4754370 (VCV004754370.1).